The following is an entry in ClinVar:

NM_004350.3(RUNX3):c.283-96G>A

Gene: RUNX3 (RUNX family transcription factor 3; minus strand). Cytogenetic location: 1p36.11.
Variant type: single nucleotide variant.
Coding change: c.283-96G>A on transcript NM_004350.3 (MANE Select); 96 bases into the intron before coding-DNA position 283, G replaced by A.
Molecular consequence: intron variant.
Genome position (GRCh38, 1-based): chr1:24,927,826, C>T on the plus strand (G>A on the coding strand, the complement: RUNX3 is on the minus strand). VCF-style: chr1-24927826-C-T. GRCh37 (hg19) VCF-style: chr1-25254317-C-T.
Other names: c.325-96G>A (NM_001320672.1, NM_001031680.2).
Identifiers: ClinVar variation 2688389 (VCV002688389.2), dbSNP rs7517302, ClinGen allele CA15077698.
Genomic context (GRCh38, chr1:24,927,826, plus strand): 5'-CTTAGAAAGGAAGAGGGTGACCAGGGAAAGGAGGGGAGGGGCTGGGCTGGGCAGCTCCCC[C>T]AGGTCCCAGGCACACTGAGTATTTCTCCAATGCAGGGTGGAGAAGAGGCTTAAAAACAAT-3'

ClinVar aggregate classification (germline): Benign (1 of 4 stars; one submission).

Allele frequency attached by ClinVar (database versions not stated): gnomAD 0.52877; TOPMed 0.53415; 1000 Genomes Project 30x 0.54091; 1000 Genomes Project 0.54513; gnomAD exomes 0.56255.
gnomAD v4.1: 592,074 of 1,062,078 alleles (56%); highest among the groups gnomAD compares: Admixed American, 61%; 166,571 homozygotes.

Submission:

Unidad de Genómica Garrahan, Hospital de Pediatría Garrahan
Classification: Benign. Last evaluated: 2024-01-24. Review status: criteria provided, single submitter. Criteria: ACMG Guidelines, 2015. Collection method: clinical testing. Allele origin: germline. Affected: no. Observed: 54 variant alleles.
Comment: This variant is classified as Benign based on local population frequency. This variant was detected in 61% of patients studied by a panel of primary immunodeficiencies. Number of patients: 54. Only high quality variants are reported.